The following is an entry in ClinVar:

NM_000112.4(SLC26A2):c.835C>T (p.Arg279Trp)

Gene: SLC26A2 (solute carrier family 26 member 2; plus strand). Cytogenetic location: 5q32.
Variant type: single nucleotide variant.
Coding change: c.835C>T on transcript NM_000112.4 (MANE Select); coding-DNA position 835, C replaced by T.
Protein change: p.Arg279Trp; replaces arginine 279 with tryptophan.
Molecular consequence: missense variant.
Genome position (GRCh38, 1-based): chr5:149,980,428, C>T. VCF-style: chr5-149980428-C-T. GRCh37 (hg19) VCF-style: chr5-149359991-C-T.
Other names: short protein forms R279W.
Identifiers: ClinVar variation 4089 (VCV000004089.112), dbSNP rs104893915, ClinGen allele CA252990.

ClinVar aggregate classification (germline): Pathogenic/Likely pathogenic. Review status: criteria provided, multiple submitters, no conflicts (2 of 4 stars). 46 submissions from 37 submitters: Pathogenic (37); Likely pathogenic (2). 7 of the submissions do not count toward it. Last evaluated 2026-09-23.

Conditions:
Connective tissue disorder. Also called: Connective tissue disease. Identifiers: MedGen C0009782, MONDO:0003900.
SLC26A2-related disorder. Also called: SLC26A2-related disorders; SLC26A2-related condition. Identifiers: MedGen CN239404.
Inborn genetic diseases. Identifiers: MedGen C0950123, MeSH D030342.
Achondrogenesis, type IB (ACG1B). Also called: Achondrogenesis Type 1B. Identifiers: Orphanet 932, Orphanet 93298, MedGen C0265274, MONDO:0010966, OMIM 600972.
Diastrophic dysplasia (DTD). Also called: Diastrophic dwarfism. Identifiers: Orphanet 628, MedGen C0220726, MONDO:0009107, OMIM 222600.
Multiple epiphyseal dysplasia type 4 (EDM4). Also called: Multiple Epiphyseal Dysplasia, Recessive; MULTIPLE EPIPHYSEAL DYSPLASIA WITH BILAYERED PATELLAE; MULTIPLE EPIPHYSEAL DYSPLASIA WITH CLUBFOOT; MULTIPLE EPIPHYSEAL DYSPLASIA, AUTOSOMAL RECESSIVE; SLC26A2-Related Multiple Epiphyseal Dysplasia. Identifiers: Orphanet 93307, MedGen C1847593, MONDO:0009189, OMIM 226900.
Atelosteogenesis type II (AO2). Also called: NEONATAL OSSEOUS DYSPLASIA I; SLC26A2-Related Atelosteogenesis; Neonatal osseous dysplasia 1. Identifiers: Orphanet 56304, MedGen C1850554, MONDO:0009727, OMIM 256050.
Sulfate transporter-related osteochondrodysplasia. Also called: DTDST-related dysplasias. Identifiers: MedGen CN120497. Disease mechanism: loss of function.
3MC syndrome 2. Also called: OCULO-SKELETAL-ABDOMINAL SYNDROME; OSA SYNDROME; PTOSIS OF EYELIDS WITH DIASTASIS RECTI AND HIP DYSPLASIA. Identifiers: Orphanet 293843, MedGen C0796279, MONDO:0009927, OMIM 265050.

Allele frequency attached by ClinVar (database versions not stated): ExAC 0.00080; gnomAD exomes 0.00098 and 0.00147; gnomAD 0.00106 and 0.00107; TOPMed 0.00122; 1000 Genomes Project 30x 0.00125; 1000 Genomes Project 0.00140.
gnomAD v4.1: 2,292 of 1,614,060 alleles (0.14%); highest among the groups gnomAD compares: Non-Finnish European, 0.17%; 5 homozygotes.

Submissions 1 to 9 of 46:

PreventionGenetics, part of Exact Sciences
Classification: Pathogenic for SLC26A2-related condition. Last evaluated: 2026-09-23. Review status: criteria provided, single submitter. Criteria: ACMG Guidelines, 2015. Collection method: clinical testing. Allele origin: germline.
Comment: The SLC26A2 c.835C>T variant is predicted to result in the amino acid substitution p.Arg279Trp. This variant has been reported in the homozygous or compound heterozygous state in individuals with SLC26A2-related disorders and has been described as a Finnish founder mutation in the literature (Hastbacka et al. 1999. PubMed ID: 10482955; Hastbacka et al. 1996. PubMed ID: 8571951; Lacassie et al. 2011. PubMed ID: 22052783; Zechi-Ceide et al. 2013. PubMed ID: 23840040). This variant is classified as pathogenic by multiple independent submitters to the ClinVar database (Variation ID: 4089). Given the evidence, we interpret c.835C>T (p.Arg279Trp) as pathogenic.

OLLIN Analises Genomicas, OLLIN
Classification: Pathogenic for Multiple epiphyseal dysplasia type 4. Last evaluated: 2026-02-13. Review status: criteria provided, single submitter. Criteria: ACMG Guidelines 2015 PMID 25741868. Collection method: clinical testing. Allele origin: germline. Observed: 2 variant alleles.
Comment: PS3_P, PS4, PM3_S, PP3_M

Labcorp Genetics (formerly Invitae), Labcorp
Classification: Pathogenic for Atelosteogenesis type II; Multiple epiphyseal dysplasia type 4; Achondrogenesis, type IB; Diastrophic dysplasia. Last evaluated: 2026-02-01. Review status: criteria provided, single submitter. Criteria: Invitae Variant Classification Sherloc (09022015). Collection method: clinical testing. Allele origin: germline.
Comment: This sequence change replaces arginine, which is basic and polar, with tryptophan, which is neutral and slightly polar, at codon 279 of the SLC26A2 protein (p.Arg279Trp). This variant is present in population databases (rs104893915, gnomAD 0.2%), and has an allele count higher than expected for a pathogenic variant. This missense change has been observed in individuals with SLC26A2-related disease (PMID: 8571951, 9342225, 10465113, 10482955, 16642506, 21077202, 22052783, 23840040, 27065010). ClinVar contains an entry for this variant (Variation ID: 4089). Invitae Evidence Modeling of protein sequence and biophysical properties (such as structural, functional, and spatial information, amino acid conservation, physicochemical variation, residue mobility, and thermodynamic stability) indicates that this missense variant is expected to disrupt SLC26A2 protein function with a positive predictive value of 80%. Experimental studies have shown that this missense change affects SLC26A2 function (PMID: 15294877, 20219950). For these reasons, this variant has been classified as Pathogenic.

Dasa
Classification: Pathogenic. Last evaluated: 2025-12-02. Review status: criteria provided, single submitter. Criteria: DASA Assertion Criteria. Collection method: clinical testing. Allele origin: germline.
Comment: NM_000112.4(SLC26A2):c.835C>T (p.Arg279Trp) introduces an arginine-to-tryptophan substitution. Functional studies support a deleterious effect on protein function (PMID: 15294877, 20219950). The variant has been recurrently observed in individuals with SLC26A2-related skeletal dysplasias (PMID: 8571951, 9342225). It is present at low frequency in population datasets. Based on the available data, this variant is classified as pathogenic.

Natera, Inc.
Classification: Pathogenic for Achondrogenesis type IB. Last evaluated: 2025-11-20. Review status: criteria provided, single submitter. Criteria: Natera Variant Classification Schema (03/2026). Collection method: clinical testing. Allele origin: germline.
Comment: The c.835C>T variant in SLC26A2 is a missense variant predicted to cause substitution of arginine to tryptophan at amino acid 279. This variant is rare in the general population with a frequency below the threshold expected for the associated phenotype(s). This variant has been observed in one or more individuals affected with the associated recessive disease, as either homozygous or compound heterozygous with a second variant (PMID: 21155763). Computational prediction algorithms indicate this variant is likely to affect gene or protein function. Given the available evidence, this variant is classified as Pathogenic.

Clinical Biomedical Laboratory, Shriners Hospital For Children - Canada
Classification: Likely pathogenic for Diastrophic dysplasia. Last evaluated: 2025-10-05. Review status: criteria provided, single submitter. Criteria: ACMG Guidelines, 2015. Collection method: clinical testing. Allele origin: germline. Affected: yes.
Comment: This variant is predicted to substitute an arginine residue by a tryptophan residue. This is predicted to be detrimental to protein function (Revel 0.92). This variant is very rare in the Genome Aggregation Database (v2.1.1). This variant has been reported in the literature (PMID 15316973, 24598000).

CeGaT Center for Human Genetics Tuebingen
Classification: Pathogenic. Last evaluated: 2025-09-01. Review status: criteria provided, single submitter. Criteria: CeGaT Center For Human Genetics Tuebingen Variant Classification Criteria Version 2. Collection method: clinical testing. Allele origin: germline. Affected: yes. Observed: 13 variant alleles.
Comment: SLC26A2: PM3:Very Strong, PM2, PS3:Supporting

New York Genome Center
Classification: Pathogenic for Multiple epiphyseal dysplasia type 4; Diastrophic dysplasia; Atelosteogenesis type II; Achondrogenesis, type IB. Last evaluated: 2025-08-15. Review status: criteria provided, single submitter. Criteria: NYGC Assertion Criteria 2020. Collection method: clinical testing. Allele origin: inherited. Observed: 1 variant allele, 1 homozygote.
Comment: The homozygous c.835C>T variant identified in the SLC26A2 gene is the most common pathogenic variant identified in individuals of non-Finnish ethnicity [PMID:20301483], and is reported as Pathogenic/Likely Pathogenic in ClinVar (2 stars, 31 submissions; VarID:4089). The c.835C>T variant is located in exon 3 of this 3-exon gene and is predicted to replace an evolutionarily conserved arginine amino acid with tryptophan at position 279/739 p.(Arg279Trp) in the third extracellular loop of the protein [PMID: 8571951]. In silico algorithms predict this variant to be disruptive to protein function [REVEL=0.92]. A HEK293T-based in vitro assay expressing the c.835C>T variant revealed ~45% of sulfate uptake compared to wild-type protein and reduced localization of mutant protein at the cell membrane compared to control [PMID: 15294877, 9342225]. Skin fibroblast derived from an individual with a homozygous c.835C>T variant revealed a sulphate incorporation defect [PMID: 10465113]. The c.835C>T, p.(Arg279Trp) variant has been reported in many affected individuals in the literature in both homozygous state [PMID:10465113, 22052783, 12525546, 32596782] as well as in compound heterozygosity with a second SLC26A2 variant [PMID:9342225, 15316973, 23840040, 32596782]. Phenotypes in individuals homozygous for the c.835C>T, p.(Arg279Trp) variant are typically on the mild end of the SLC26A2 spectrum with variable phenotypes including short stature, small epiphyses, double layered patella, brachydactyly, scoliosis, mild distal limb shortening, joint pain, and prenatal findings including club foot, cleft palate, and cystic ear swelling [PMID:10465113, 22052783, 12525546]. The homozygous c.835C>T, p.(Arg279Trp) variant identified in the SLC26A2 gene is reported as Pathogenic.

First Genomix Gene Laboratory, Genetic Diagnostics Department
Classification: Pathogenic for Achondrogenesis, type IB; Atelosteogenesis type II; Diastrophic dysplasia; Multiple epiphyseal dysplasia type 4. Last evaluated: 2025-08-06. Review status: criteria provided, single submitter. Criteria: ACMG Guidelines, 2015. Collection method: clinical testing. Allele origin: germline. Inheritance: Autosomal recessive inheritance. Affected: no. Observed: 1 variant allele.